The following is an entry in ClinVar:

NM_004990.4(MARS1):c.1151T>C (p.Val384Ala)

Gene: MARS1 (methionyl-tRNA synthetase 1; plus strand). Cytogenetic location: 12q13.3.
Variant type: single nucleotide variant.
Coding change: c.1151T>C on transcript NM_004990.4 (MANE Select); coding-DNA position 1151, T replaced by C.
Protein change: p.Val384Ala; replaces valine 384 with alanine.
Molecular consequence: missense variant.
Genome position (GRCh38, 1-based): chr12:57,500,380, T>C. VCF-style: chr12-57500380-T-C. GRCh37 (hg19) VCF-style: chr12-57894163-T-C.
Other names: short protein forms V384A.
Identifiers: ClinVar variation 2035377 (VCV002035377.4), dbSNP rs2540290855, ClinGen allele CA385457810.

ClinVar aggregate classification (germline): Uncertain significance (1 of 4 stars; one submission).

Conditions:
Severe early-onset pulmonary alveolar proteinosis due to MARS deficiency. Also called: PULMONARY ALVEOLAR PROTEINOSIS, REUNION ISLAND; Interstitial lung and liver disease. Identifiers: Orphanet 440427, MedGen C4225400, MONDO:0014206, OMIM 615486.
Charcot-Marie-Tooth disease axonal type 2U. Also called: CHARCOT-MARIE-TOOTH NEUROPATHY, TYPE 2U; CHARCOT-MARIE-TOOTH DISEASE, AXONAL, AUTOSOMAL DOMINANT, TYPE 2U. Identifiers: Orphanet 397735, MedGen C4084821, MONDO:0014566, OMIM 616280.

Submission:

Labcorp Genetics (formerly Invitae), Labcorp
Classification: Uncertain significance for Charcot-Marie-Tooth disease axonal type 2U; Severe early-onset pulmonary alveolar proteinosis due to MARS deficiency. Last evaluated: 2022-10-13. Review status: criteria provided, single submitter. Criteria: Invitae Variant Classification Sherloc (09022015). Collection method: clinical testing. Allele origin: germline.
Comment: In summary, the available evidence is currently insufficient to determine the role of this variant in disease. Therefore, it has been classified as a Variant of Uncertain Significance. Algorithms developed to predict the effect of missense changes on protein structure and function are either unavailable or do not agree on the potential impact of this missense change (SIFT: "Deleterious"; PolyPhen-2: "Benign"; Align-GVGD: "Class C25"). This variant has not been reported in the literature in individuals affected with MARS-related conditions. This variant is not present in population databases (gnomAD no frequency). This sequence change replaces valine, which is neutral and non-polar, with alanine, which is neutral and non-polar, at codon 384 of the MARS protein (p.Val384Ala).